The following is an entry in ClinVar:

NM_001243133.2(NLRP3):c.1361G>A (p.Gly454Glu)

Gene: NLRP3 (NLR family pyrin domain containing 3; plus strand). Cytogenetic location: 1q44.
Variant type: single nucleotide variant.
Coding change: c.1361G>A on transcript NM_001243133.2 (MANE Select); coding-DNA position 1361, G replaced by A.
Protein change: p.Gly454Glu; replaces glycine 454 with glutamic acid.
Molecular consequence: missense variant.
Genome position (GRCh38, 1-based): chr1:247,424,810, G>A. VCF-style: chr1-247424810-G-A. GRCh37 (hg19) VCF-style: chr1-247588112-G-A.
Other names: p.Gly456Glu; c.1361G>A, p.Gly454Glu (NM_001079821.3, NM_001127461.3, NM_001127462.3 and 1 more transcripts); c.1367G>A, p.Gly456Glu (NM_004895.5); short protein forms G456E, G454E.
Identifiers: ClinVar variation 296947 (VCV000296947.23), dbSNP rs199696688, ClinGen allele CA1495015.

ClinVar aggregate classification (germline): Conflicting classifications of pathogenicity. Review status: criteria provided, conflicting classifications (1 of 4 stars). 9 submissions from 7 submitters: Uncertain significance (5); Likely benign (4). Last evaluated 2025-11-11.

Conditions:
Familial amyloid nephropathy with urticaria AND deafness (MWS). Also called: UDA SYNDROME; URTICARIA-DEAFNESS-AMYLOIDOSIS SYNDROME; MUCKLE-WELLS SYNDROME; Urticaria, deafness and amyloidosis; CRYOPYRIN-ASSOCIATED PERIODIC SYNDROME 2. Identifiers: Orphanet 575, MedGen C0268390, MONDO:0008633, OMIM 191900.
Hearing loss, autosomal dominant 34, with or without inflammation. Also called: DEAFNESS, AUTOSOMAL DOMINANT 34, WITH OR WITHOUT INFLAMMATION. Identifiers: MedGen C4521680, MONDO:0033261, OMIM 617772.
Keratitis fugax hereditaria. Also called: KERATOENDOTHELIITIS FUGAX HEREDITARIA. Identifiers: Orphanet 647815, MedGen C1835697, MONDO:0007849, OMIM 148200.
Familial cold autoinflammatory syndrome 1 (FCAS1). Also called: CRYOPYRIN-ASSOCIATED PERIODIC SYNDROME 1; Familial cold inflammatory syndrome 1. Identifiers: Orphanet 47045, MedGen C4551895, MONDO:0007349, OMIM 120100.
Chronic infantile neurological, cutaneous and articular syndrome (CINCA). Also called: CHRONIC NEUROLOGIC CUTANEOUS AND ARTICULAR SYNDROME; CINCA syndrome; Prieur Griscelli syndrome; CRYOPYRIN-ASSOCIATED PERIODIC SYNDROME 3. Identifiers: Orphanet 1451, MedGen C0409818, MONDO:0011776, OMIM 607115.
Cryopyrin associated periodic syndrome (CAPS). Identifiers: Orphanet 208650, MedGen C2316212, MONDO:0016168.

Allele frequency attached by ClinVar (database versions not stated): gnomAD 0.00005 and 0.00006; gnomAD exomes 0.00005 and 0.00006; TOPMed 0.00005; ExAC 0.00006; ESP Exome Variant Server 0.00008.

Submissions (9):

Women's Health and Genetics/Laboratory Corporation of America, LabCorp
Classification: Uncertain significance. Last evaluated: 2025-11-11. Review status: criteria provided, single submitter. Criteria: LabCorp Variant Classification Summary - May 2015. Collection method: clinical testing. Allele origin: germline.
Comment: Variant summary: NLRP3 c.1367G>A (p.Gly456Glu) results in a non-conservative amino acid change located in the NACHT nucleoside triphosphatase domain (IPR007111) of the encoded protein sequence. Algorithms developed to predict the effect of missense changes on protein structure and function are either unavailable or do not agree on the potential impact of this missense change. The variant allele was found at a frequency of 5.3e-05 in 246776 control chromosomes. This frequency is not significantly higher than estimated for disease-causing variants in NLRP3, allowing no conclusion about variant significance. Although reported as a VUS in settings of hereditary recurrent febrile syndromes (example, Gaggiano_2019), to our knowledge, no penetrant association of c.1367G>A in individuals affected with NLRP3-Related Disorders and no experimental evidence demonstrating its impact on protein function have been reported. The following publication has been ascertained in the context of this evaluation (PMID: 32082075). ClinVar contains an entry for this variant (Variation ID: 296947). Based on the evidence outlined above, the variant was classified as uncertain significance.

Labcorp Genetics (formerly Invitae), Labcorp
Classification: Uncertain significance for Cryopyrin associated periodic syndrome. Last evaluated: 2025-10-23. Review status: criteria provided, single submitter. Criteria: Invitae Variant Classification Sherloc (09022015). Collection method: clinical testing. Allele origin: germline.
Comment: This sequence change replaces glycine, which is neutral and non-polar, with glutamic acid, which is acidic and polar, at codon 456 of the NLRP3 protein (p.Gly456Glu). This variant is present in population databases (rs199696688, gnomAD 0.01%). This variant has not been reported in the literature in individuals affected with NLRP3-related conditions. ClinVar contains an entry for this variant (Variation ID: 296947). Invitae Evidence Modeling of protein sequence and biophysical properties (such as structural, functional, and spatial information, amino acid conservation, physicochemical variation, residue mobility, and thermodynamic stability) indicates that this missense variant is not expected to disrupt NLRP3 protein function with a negative predictive value of 95%. In summary, the available evidence is currently insufficient to determine the role of this variant in disease. Therefore, it has been classified as a Variant of Uncertain Significance.

Mayo Clinic Laboratories, Mayo Clinic
Classification: Uncertain significance. Last evaluated: 2025-08-07. Review status: criteria provided, single submitter. Criteria: ACMG Guidelines, 2015. Collection method: clinical testing. Allele origin: germline. Observed: 1 variant allele.
Comment: BP4

GeneDx
Classification: Uncertain significance. Last evaluated: 2025-07-21. Review status: criteria provided, single submitter. Criteria: GeneDx Variant Classification Process June 2021. Collection method: clinical testing. Allele origin: germline. Affected: yes.
Comment: In silico analysis supports that this missense variant has a deleterious effect on protein structure/function; Has not been previously published as pathogenic or benign in association with NLRP3-related disorders to our knowledge; Also known as p.(G454E); This variant is associated with the following publications: (PMID: 28421071, 19302049)

Fulgent Genetics
Classification: Uncertain significance for Familial cold autoinflammatory syndrome 1; Keratitis fugax hereditaria; Familial amyloid nephropathy with urticaria AND deafness; Chronic infantile neurological, cutaneous and articular syndrome; Hearing loss, autosomal dominant 34, with or without inflammation. Last evaluated: 2024-04-20. Review status: criteria provided, single submitter. Criteria: ACMG Guidelines, 2015. Collection method: clinical testing. Allele origin: germline.

Laboratory for Molecular Medicine, Mass General Brigham Personalized Medicine
Classification: Likely benign. Last evaluated: 2019-05-22. Review status: criteria provided, single submitter. Criteria: LMM Criteria. Collection method: clinical testing. Allele origin: germline. Observed: 1 variant allele.
Comment: The p. Gly456Glu variant in NLRP3 is classified as likely benign due to a lack of conservation across species. Six mammals (horse, dog, ferret, panda, Pacific walrus, Weddell seal) carry a glutamic acid (Glu) at this position despite high nearby amino acid conservation. It has been identified in 0.01% (14/128686) European chromosomes by gnomAD. ACMG/AMP Criteria applied: BP4_Strong.

Illumina Laboratory Services, Illumina
Classification: Likely benign for Chronic infantile neurological, cutaneous and articular syndrome. Last evaluated: 2018-01-13. Review status: criteria provided, single submitter. Criteria: ICSL Variant Classification Criteria 13 December 2019. Collection method: clinical testing. Allele origin: germline.
Comment: This variant was observed in the ICSL laboratory as part of a predisposition screen in an ostensibly healthy population. It had not been previously curated by ICSL or reported in the Human Gene Mutation Database (HGMD: prior to June 1st, 2018), and was therefore a candidate for classification through an automated scoring system. Utilizing variant allele frequency, disease prevalence and penetrance estimates, and inheritance mode, an automated score was calculated to assess if this variant is too frequent to cause the disease. Based on the score and internal cut-off values, a variant classified as likely benign is not then subjected to further curation. The score for this variant resulted in a classification of likely benign for this disease.

Illumina Laboratory Services, Illumina
Classification: Likely benign for Familial cold autoinflammatory syndrome 1. Last evaluated: 2018-01-13. Review status: criteria provided, single submitter. Criteria: ICSL Variant Classification Criteria 13 December 2019. Collection method: clinical testing. Allele origin: germline.
Comment: the same text as in the submission from Illumina Laboratory Services, Illumina above.

Illumina Laboratory Services, Illumina
Classification: Likely benign for Familial amyloid nephropathy with urticaria AND deafness. Last evaluated: 2018-01-13. Review status: criteria provided, single submitter. Criteria: ICSL Variant Classification Criteria 13 December 2019. Collection method: clinical testing. Allele origin: germline.
Comment: the same text as in the submission from Illumina Laboratory Services, Illumina above.

Literature cited by the submitters: PubMed 32082075 (cited by Women's Health and Genetics/Laboratory Corporation of America, LabCorp); PubMed 28421071 (cited by Laboratory for Molecular Medicine, Mass General Brigham Personalized Medicine).